The following is an entry in ClinVar:

NM_001130682.3(GUCY1A1):c.317+1G>A

Gene: GUCY1A1 (guanylate cyclase 1 soluble subunit alpha 1; plus strand). Cytogenetic location: 4q32.1.
Variant type: single nucleotide variant.
Coding change: c.317+1G>A on transcript NM_001130682.3 (MANE Select); the canonical splice donor site of the intron after coding-DNA position 317, G replaced by A.
Molecular consequence: splice donor variant.
Genome position (GRCh38, 1-based): chr4:155,703,994, G>A. VCF-style: chr4-155703994-G-A. GRCh37 (hg19) VCF-style: chr4-156625146-G-A.
Other names: c.317+1G>A (NM_001379669.1, NM_001130683.4, NM_001379667.1 and 13 more transcripts); c.-389+1G>A (NM_001130685.3, NM_001440518.1).
Identifiers: ClinVar variation 5006743 (VCV005006743.2).

ClinVar aggregate classification (germline): Likely pathogenic (1 of 4 stars; one submission).

Conditions:
Moyamoya disease with early-onset achalasia (MYMY6). Also called: MOYAMOYA DISEASE 6 WITH OR WITHOUT ACHALASIA. Identifiers: Orphanet 401945, MedGen C3810403, MONDO:0014331, OMIM 615750.

gnomAD v4.1: 1 of 1,595,906 alleles (0.000063%); highest among the groups gnomAD compares: South Asian, 0.0011%; no homozygotes.

Submission:

Juno Genomics, Hangzhou Juno Genomics, Inc
Classification: Likely pathogenic for Moyamoya disease with early-onset achalasia. Review status: criteria provided, single submitter. Criteria: ACMG Guidelines, 2015. Collection method: clinical testing. Allele origin: germline.
Comment: Null variant in a gene where loss of function (LOF) is a known mechanism of disease.;Absent from controls (or at extremely low frequency if recessive) in Genome Aggregation Database.